The following is an entry in ClinVar:

ClinVar aggregate classification (germline): Uncertain significance (1 of 4 stars; one submission).

Submission:

Labcorp Genetics (formerly Invitae), Labcorp
Classification: Uncertain significance. Last evaluated: 2024-06-09. Review status: criteria provided, single submitter. Criteria: Invitae Variant Classification Sherloc (09022015). Collection method: clinical testing. Allele origin: germline.
Comment: This sequence change creates a premature translational stop signal (p.Arg383*) in the AP2M1 gene. While this is not anticipated to result in nonsense mediated decay, it is expected to disrupt the last 53 amino acid(s) of the AP2M1 protein. This variant is not present in population databases (gnomAD no frequency). This variant has not been reported in the literature in individuals affected with AP2M1-related conditions. Experimental studies and prediction algorithms are not available or were not evaluated, and the functional significance of this variant is currently unknown. In summary, the available evidence is currently insufficient to determine the role of this variant in disease. Therefore, it has been classified as a Variant of Uncertain Significance.

NM_004068.4(AP2M1):c.1147C>T (p.Arg383Ter)

Gene: AP2M1 (adaptor related protein complex 2 subunit mu 1; plus strand). Cytogenetic location: 3q27.1.
Variant type: single nucleotide variant.
Coding change: c.1147C>T on transcript NM_004068.4 (MANE Select); coding-DNA position 1147, C replaced by T.
Protein change: p.Arg383Ter; replaces arginine 383 with a stop codon.
Molecular consequence: nonsense.
Genome position (GRCh38, 1-based): chr3:184,182,842, C>T. VCF-style: chr3-184182842-C-T. GRCh37 (hg19) VCF-style: chr3-183900630-C-T.
Other names: c.1141C>T, p.Arg381Ter (NM_001025205.2); c.1222C>T, p.Arg408Ter (NM_001311198.2); short protein forms R381*, R383*, R408*.
Identifiers: ClinVar variation 3629340 (VCV003629340.2).
Genomic context (GRCh38, chr3:184,182,842, plus strand): 5'-GAATCGCAGATCAGCGCAGAGATTGAGCTTCTGCCTACCAACGACAAGAAGAAATGGGCT[C>T]GACCCCCCATTTCCATGAACTTTGAGGTATGGCAGAGGAGGGGCCTAGAGTCATGCCAGG-3'